The following is an entry in ClinVar:

NM_000154.2(GALK1):c.775C>T (p.Gln259Ter)

Gene: GALK1 (galactokinase 1; minus strand). Cytogenetic location: 17q25.1.
Variant type: single nucleotide variant.
Coding change: c.775C>T on transcript NM_000154.2 (MANE Select); coding-DNA position 775, C replaced by T.
Protein change: p.Gln259Ter; replaces glutamine 259 with a stop codon.
Molecular consequence: nonsense.
Genome position (GRCh38, 1-based): chr17:75,762,722, G>A on the plus strand (C>T on the coding strand, the complement: GALK1 is on the minus strand). VCF-style: chr17-75762722-G-A. GRCh37 (hg19) VCF-style: chr17-73758803-G-A.
Other names: c.775C>T, p.Gln259Ter (NM_001381985.1); short protein forms Q259*.
Identifiers: ClinVar variation 983815 (VCV000983815.5), dbSNP rs1599335132, ClinGen allele CA401102753.

ClinVar aggregate classification (germline): Likely pathogenic (1 of 4 stars; one submission).

Conditions:
Deficiency of galactokinase. Also called: Galactokinase deficiency with cataracts; GALACTOSEMIA II. Identifiers: Orphanet 352, Orphanet 79237, MedGen C0268155, MONDO:0009255, OMIM 230200.

Submission:

Myriad Genetics, Inc.
Classification: Likely pathogenic for Deficiency of galactokinase. Last evaluated: 2019-02-04. Review status: criteria provided, single submitter. Criteria: Myriad Women's Health Autosomal Recessive and X-Linked Classification Criteria (2019). Collection method: clinical testing. Allele origin: unknown.
Comment: NM_000154.1(GALK1):c.775C>T(Q259*) is expected to be pathogenic in the context of galactokinase deficiency. This variant is predicted to lead to an abnormal or absent protein product due to the creation of a premature termination codon in GALK1, a gene where loss-of-function variants are known to be pathogenic. Please note: this variant was assessed in the context of healthy population screening.